The following is an entry in ClinVar:

ClinVar aggregate classification (germline): Likely benign. Review status: criteria provided, single submitter (1 of 4 stars). 2 submissions from 2 submitters: Likely benign (1). 1 of the submissions does not count toward it. Last evaluated 2025-12-13.

Conditions:
KCNQ5-related disorder. Also called: KCNQ5-related condition.

Allele frequency attached by ClinVar (database versions not stated): ExAC 0.00002; gnomAD exomes 0.00002 and 0.00004; TOPMed 0.00007; gnomAD 0.00008 and 0.00009.
gnomAD v4.1: 36 of 1,611,280 alleles (0.0022%); highest among the groups gnomAD compares: African/African-American, 0.027%; no homozygotes.

Submissions (2):

Labcorp Genetics (formerly Invitae), Labcorp
Classification: Likely benign. Last evaluated: 2025-12-13. Review status: criteria provided, single submitter. Criteria: Invitae Variant Classification Sherloc (09022015). Collection method: clinical testing. Allele origin: germline.

PreventionGenetics, part of Exact Sciences
Classification: Likely benign for KCNQ5-related condition. Last evaluated: 2024-03-11. Review status: no assertion criteria provided. Collection method: clinical testing. Allele origin: germline. Not counted in ClinVar's aggregate classification.
Comment: This variant is classified as likely benign based on ACMG/AMP sequence variant interpretation guidelines (Richards et al. 2015 PMID: 25741868, with internal and published modifications).

NM_019842.4(KCNQ5):c.318C>A (p.Val106=)

Genes: KCNQ5 (potassium voltage-gated channel subfamily Q member 5; plus strand), KCNQ5-DT (KCNQ5 divergent transcript; minus strand). Cytogenetic location: 6q13.
Variant type: single nucleotide variant.
Coding change: c.318C>A on transcript NM_019842.4 (MANE Select); coding-DNA position 318, C replaced by A.
Protein change: p.Val106=; no amino-acid change (valine 106 retained).
Molecular consequence: synonymous variant.
Genome position (GRCh38, 1-based): chr6:72,622,507, C>A. VCF-style: chr6-72622507-C-A. GRCh37 (hg19) VCF-style: chr6-73332235-C-A.
Other names: c.318C>A, p.Val106= (NM_001160130.2, NM_001160132.2, NM_001160133.2 and 1 more transcripts); c.318C>A (NM_001160133.1).
Identifiers: ClinVar variation 1634323 (VCV001634323.9), dbSNP rs778905319, ClinGen allele CA3886703.
Genomic context (GRCh38, chr6:72,622,507, plus strand): 5'-GATGAGCCTGCTGGGGAAGCCGCTCTCTTACACGAGTAGCCAGAGCTGCCGGCGCAACGT[C>A]AAGTACCGGCGGGTGCAGAACTACCTGTACAACGTGCTGGAGAGACCCCGCGGCTGGGCG-3'
Protein context (NP_062816.2, residues 96-116): YTSSQSCRRN[Val106=]KYRRVQNYLY